The following is an entry in ClinVar:

ClinVar aggregate classification (germline): Uncertain significance (1 of 4 stars; one submission).

Conditions:
Autosomal dominant nonsyndromic hearing loss 1. Also called: KONIGSMARK SYNDROME; DEAFNESS, AUTOSOMAL DOMINANT 1, WITH OR WITHOUT THROMBOCYTOPENIA. Identifiers: Orphanet 90635, MedGen C1852282, MONDO:0007424, OMIM 124900.
Progressive microcephaly-seizures-cortical blindness-developmental delay syndrome. Also called: Seizures, cortical blindness, and microcephaly syndrome. Identifiers: Orphanet 477814, MedGen C5567650, MONDO:0014714, OMIM 616632.

Submission:

Labcorp Genetics (formerly Invitae), Labcorp
Classification: Uncertain significance for Progressive microcephaly-seizures-cortical blindness-developmental delay syndrome; Autosomal dominant nonsyndromic hearing loss 1. Last evaluated: 2025-07-08. Review status: criteria provided, single submitter. Criteria: Invitae Variant Classification Sherloc (09022015). Collection method: clinical testing. Allele origin: germline.
Comment: This sequence change replaces asparagine, which is neutral and polar, with lysine, which is basic and polar, at codon 213 of the DIAPH1 protein (p.Asn213Lys). This variant is not present in population databases (gnomAD no frequency). This variant has not been reported in the literature in individuals affected with DIAPH1-related conditions. Experimental studies and prediction algorithms are not available or were not evaluated, and the functional significance of this variant is currently unknown. In summary, the available evidence is currently insufficient to determine the role of this variant in disease. Therefore, it has been classified as a Variant of Uncertain Significance.

NM_005219.5(DIAPH1):c.639C>G (p.Asn213Lys)

Gene: DIAPH1 (diaphanous related formin 1; minus strand). Cytogenetic location: 5q31.3.
Variant type: single nucleotide variant.
Coding change: c.639C>G on transcript NM_005219.5 (MANE Select); coding-DNA position 639, C replaced by G.
Protein change: p.Asn213Lys; replaces asparagine 213 with lysine.
Molecular consequence: missense variant.
Genome position (GRCh38, 1-based): chr5:141,582,357, G>C on the plus strand (C>G on the coding strand, the complement: DIAPH1 is on the minus strand). VCF-style: chr5-141582357-G-C. GRCh37 (hg19) VCF-style: chr5-140961924-G-C.
Other names: c.612C>G, p.Asn204Lys (NM_001079812.3); c.639C>G, p.Asn213Lys (NM_001314007.2); short protein forms N213K, N204K.
Identifiers: ClinVar variation 4784710 (VCV004784710.1).